The following is an entry in ClinVar:

ClinVar aggregate classification (germline): Uncertain significance (1 of 4 stars; one submission).

Allele frequency attached by ClinVar (database versions not stated): gnomAD 0.00001; gnomAD exomes 0.00001; TOPMed 0.00002.
gnomAD v4.1: 8 of 1,610,142 alleles (0.0005%); highest among the groups gnomAD compares: Admixed American, 0.012%; no homozygotes.

Submission:

Labcorp Genetics (formerly Invitae), Labcorp
Classification: Uncertain significance. Last evaluated: 2023-07-17. Review status: criteria provided, single submitter. Criteria: Invitae Variant Classification Sherloc (09022015). Collection method: clinical testing. Allele origin: germline.
Comment: In summary, the available evidence is currently insufficient to determine the role of this variant in disease. Therefore, it has been classified as a Variant of Uncertain Significance. This sequence change replaces histidine, which is basic and polar, with arginine, which is basic and polar, at codon 1403 of the ASPM protein (p.His1403Arg). This variant is present in population databases (no rsID available, gnomAD 0.02%). This variant has not been reported in the literature in individuals affected with ASPM-related conditions. ClinVar contains an entry for this variant (Variation ID: 2076609). Advanced modeling of protein sequence and biophysical properties (such as structural, functional, and spatial information, amino acid conservation, physicochemical variation, residue mobility, and thermodynamic stability) performed at Invitae indicates that this missense variant is not expected to disrupt ASPM protein function.

NM_018136.5(ASPM):c.4208A>G (p.His1403Arg)

Gene: ASPM (assembly factor for spindle microtubules; minus strand). Cytogenetic location: 1q31.3.
Variant type: single nucleotide variant.
Coding change: c.4208A>G on transcript NM_018136.5 (MANE Select); coding-DNA position 4208, A replaced by G.
Protein change: p.His1403Arg; replaces histidine 1403 with arginine.
Molecular consequence: missense variant. On other transcripts: intron variant (1).
Genome position (GRCh38, 1-based): chr1:197,105,043, T>C on the plus strand (A>G on the coding strand, the complement: ASPM is on the minus strand). VCF-style: chr1-197105043-T-C. GRCh37 (hg19) VCF-style: chr1-197074173-T-C.
Other names: c.4066-8879A>G (NM_001206846.2); short protein forms H1403R.
Identifiers: ClinVar variation 2076609 (VCV002076609.2), dbSNP rs987179447, ClinGen allele CA35874788.